The following is an entry in ClinVar:

ClinVar aggregate classification (germline): Uncertain significance (1 of 4 stars; one submission).

Submission:

Labcorp Genetics (formerly Invitae), Labcorp
Classification: Uncertain significance. Last evaluated: 2022-08-22. Review status: criteria provided, single submitter. Criteria: Invitae Variant Classification Sherloc (09022015). Collection method: clinical testing. Allele origin: germline.
Comment: In summary, the available evidence is currently insufficient to determine the role of this variant in disease. Therefore, it has been classified as a Variant of Uncertain Significance. Variants that disrupt the consensus splice site are a relatively common cause of aberrant splicing (PMID: 17576681, 9536098). Algorithms developed to predict the effect of sequence changes on RNA splicing suggest that this variant is not likely to affect RNA splicing. This variant has not been reported in the literature in individuals affected with CHM-related conditions. This variant is not present in population databases (gnomAD no frequency). This sequence change falls in intron 6 of the CHM gene. It does not directly change the encoded amino acid sequence of the CHM protein. It affects a nucleotide within the consensus splice site.

Literature cited by the submitters: PubMed 17576681; PubMed 9536098.

NM_000390.4(CHM):c.819+6G>T

Gene: CHM (CHM Rab escort protein; minus strand). Cytogenetic location: Xq21.2.
Variant type: single nucleotide variant.
Coding change: c.819+6G>T on transcript NM_000390.4 (MANE Select); 6 bases into the intron after coding-DNA position 819, G replaced by T.
Molecular consequence: intron variant.
Genome position (GRCh38, 1-based): chrX:85,958,855, C>A on the plus strand (G>T on the coding strand, the complement: CHM is on the minus strand). VCF-style: chrX-85958855-C-A. GRCh37 (hg19) VCF-style: chrX-85213860-C-A.
Other names: c.375+6G>T (NM_001362519.1, NM_001362517.1, NM_001320959.1 and 1 more transcripts).
Identifiers: ClinVar variation 2026230 (VCV002026230.4), dbSNP rs2520260778, ClinGen allele CA2580102038.